The following is an entry in ClinVar:

NM_003105.6(SORL1):c.5987T>G (p.Leu1996Trp)

Gene: SORL1 (sortilin related receptor 1; plus strand). Cytogenetic location: 11q24.1.
Variant type: single nucleotide variant.
Coding change: c.5987T>G on transcript NM_003105.6 (MANE Select); coding-DNA position 5987, T replaced by G.
Protein change: p.Leu1996Trp; replaces leucine 1996 with tryptophan.
Molecular consequence: missense variant.
Genome position (GRCh38, 1-based): chr11:121,621,161, T>G. VCF-style: chr11-121621161-T-G. GRCh37 (hg19) VCF-style: chr11-121491870-T-G.
Other names: short protein forms L1996W.
Identifiers: ClinVar variation 4717646 (VCV004717646.1).
Genomic context (GRCh38, chr11:121,621,161, plus strand): 5'-CTGACAGGAGCTACAAAGTAAAATCCCGTAACAGCACTGTGGAATACACCCTTAACAAGT[T>G]GGAGCCTGGCGGGAAATACCACATCATTGTCCAACTGGGGAACATGAGCAAAGATTCCAG-3'
Protein context (NP_003096.2, residues 1986-2006): NSTVEYTLNK[Leu1996Trp]EPGGKYHIIV

ClinVar aggregate classification (germline): Uncertain significance (1 of 4 stars; one submission).

Submission:

Labcorp Genetics (formerly Invitae), Labcorp
Classification: Uncertain significance. Last evaluated: 2025-04-23. Review status: criteria provided, single submitter. Criteria: Invitae Variant Classification Sherloc (09022015). Collection method: clinical testing. Allele origin: germline.
Comment: This sequence change replaces leucine, which is neutral and non-polar, with tryptophan, which is neutral and slightly polar, at codon 1996 of the SORL1 protein (p.Leu1996Trp). This variant is not present in population databases (gnomAD no frequency). This variant has not been reported in the literature in individuals affected with SORL1-related conditions. An algorithm developed to predict the effect of missense changes on protein structure and function (PolyPhen-2) suggests that this variant is likely to be disruptive. In summary, the available evidence is currently insufficient to determine the role of this variant in disease. Therefore, it has been classified as a Variant of Uncertain Significance.